The following is an entry in ClinVar:

ClinVar aggregate classification (germline): Pathogenic (0 of 4 stars; one submission).

Conditions:
Alkaptonuria (AKU). Also called: Alkaptonuric ochronosis; Homogentisic acidura; Alcaptonuria; HOMOGENTISIC ACID OXIDASE DEFICIENCY. Identifiers: Orphanet 56, MedGen C0002066, MONDO:0008753, OMIM 203500.

Submission:

Department Of Human Genetics, Institute Of Clinical And Translational Research, Biomedical Research Center, Slovak Academy Of Sciences
Classification: Pathogenic for Alkaptonuria. Review status: no assertion criteria provided. Collection method: research. Allele origin: germline. Inheritance: Autosomal recessive inheritance. Affected: yes. Observed: 1 variant allele.
Comment: The variant was described in AKU patient in PMID:23430897. It has been submitted to the HGD gene mutation database (DB-ID: AKU_00144).

Literature cited by the submitters: PubMed 23430897.

NM_000187.4(HGD):c.507T>C (p.Phe169=)

Gene: HGD (homogentisate 1,2-dioxygenase; minus strand). Cytogenetic location: 3q13.33.
Variant type: single nucleotide variant.
Coding change: c.507T>C on transcript NM_000187.4 (MANE Select); coding-DNA position 507, T replaced by C.
Protein change: p.Phe169=; no amino-acid change (phenylalanine 169 retained).
Molecular consequence: synonymous variant.
Genome position (GRCh38, 1-based): chr3:120,647,015, A>G on the plus strand (T>C on the coding strand, the complement: HGD is on the minus strand). VCF-style: chr3-120647015-A-G. GRCh37 (hg19) VCF-style: chr3-120365862-A-G.
Identifiers: ClinVar variation 2626846 (VCV002626846.1), dbSNP rs756134838, ClinGen allele CA435228003.